The following is an entry in ClinVar:

NM_001152.5(SLC25A5):c.357G>A (p.Ser119=)

Gene: SLC25A5 (solute carrier family 25 member 5; plus strand). Cytogenetic location: Xq24.
Variant type: single nucleotide variant.
Coding change: c.357G>A on transcript NM_001152.5 (MANE Select); coding-DNA position 357, G replaced by A.
Protein change: p.Ser119=; no amino-acid change (serine 119 retained).
Molecular consequence: synonymous variant.
Genome position (GRCh38, 1-based): chrX:119,469,906, G>A. VCF-style: chrX-119469906-G-A. GRCh37 (hg19) VCF-style: chrX-118603869-G-A.
Other names: NC_000023.10:g.118603869G>A.
Identifiers: ClinVar variation 3059249 (VCV003059249.3), dbSNP rs375406763, ClinGen allele CA10502061.

ClinVar aggregate classification (germline): Benign (0 of 4 stars; one submission).

Conditions:
SLC25A5-related disorder. Also called: SLC25A5-related condition.

Allele frequency attached by ClinVar (database versions not stated): ExAC 0.00054; 1000 Genomes Project 30x 0.20583.

Submissions (3):

PreventionGenetics, part of Exact Sciences
Classification: Benign for SLC25A5-related condition. Last evaluated: 2019-09-24. Review status: no assertion criteria provided. Collection method: clinical testing. Allele origin: germline.
Comment: This variant is classified as benign based on ACMG/AMP sequence variant interpretation guidelines (Richards et al. 2015 PMID: 25741868, with internal and published modifications).

Dr. Peter K. Rogan Lab, Western University
No classification provided (evidence only). Condition: Clear cell carcinoma of kidney. Review status: no classification provided. Collection method: in vitro. Allele origin: not applicable. Functional consequence: retained intron. Not counted in ClinVar's aggregate classification.

Dr. Peter K. Rogan Lab, Western University
No classification provided (evidence only). Condition: Clear cell carcinoma of kidney. Review status: no classification provided. Collection method: in vitro. Allele origin: not applicable. Functional consequence: retained intron. Not counted in ClinVar's aggregate classification.